The following is an entry in ClinVar:

NM_001367624.2(ZNF469):c.9918G>A (p.Arg3306=)

Gene: ZNF469 (zinc finger protein 469; plus strand). Cytogenetic location: 16q24.2.
Variant type: single nucleotide variant.
Coding change: c.9918G>A on transcript NM_001367624.2 (MANE Select); coding-DNA position 9918, G replaced by A.
Protein change: p.Arg3306=; no amino-acid change (arginine 3306 retained).
Molecular consequence: synonymous variant.
Genome position (GRCh38, 1-based): chr16:88,437,388, G>A. VCF-style: chr16-88437388-G-A. GRCh37 (hg19) VCF-style: chr16-88503796-G-A.
Other names: NM_001127464.1:c.9834G>A; p.Arg3306=.
Identifiers: ClinVar variation 1537488 (VCV001537488.13), dbSNP rs1008527622, ClinGen allele CA286385934.

ClinVar aggregate classification (germline): Likely benign. Review status: criteria provided, multiple submitters, no conflicts (2 of 4 stars). 4 submissions from 4 submitters: Likely benign (4). Last evaluated 2026-01-13.

Conditions:
Cardiovascular phenotype. Identifiers: MedGen CN230736.

Allele frequency attached by ClinVar (database versions not stated): gnomAD exomes 0.00002 and 0.00006; gnomAD 0.00005 and 0.00006; TOPMed 0.00005.
gnomAD v4.1: 92 of 1,536,096 alleles (0.006%); highest among the groups gnomAD compares: Non-Finnish European, 0.0074%; no homozygotes.

Submissions (4):

Labcorp Genetics (formerly Invitae), Labcorp
Classification: Likely benign. Last evaluated: 2026-01-13. Review status: criteria provided, single submitter. Criteria: Invitae Variant Classification Sherloc (09022015). Collection method: clinical testing. Allele origin: germline.

Women's Health and Genetics/Laboratory Corporation of America, LabCorp
Classification: Likely benign. Last evaluated: 2025-07-02. Review status: criteria provided, single submitter. Criteria: LabCorp Variant Classification Summary - May 2015. Collection method: clinical testing. Allele origin: germline.

Mayo Clinic Laboratories, Mayo Clinic
Classification: Likely benign. Last evaluated: 2025-03-17. Review status: criteria provided, single submitter. Criteria: ACMG Guidelines, 2015. Collection method: clinical testing. Allele origin: germline. Observed: 3 variant alleles.
Comment: BP4, BP7

Ambry Genetics
Classification: Likely benign for Cardiovascular phenotype. Last evaluated: 2020-01-27. Review status: criteria provided, single submitter. Criteria: Ambry Variant Classification Scheme 2023. Collection method: clinical testing. Allele origin: germline.